The following is an entry in ClinVar:

ClinVar aggregate classification (germline): Uncertain significance (1 of 4 stars; one submission).

Conditions:
Netherton syndrome (NETH). Also called: NETHERTON DISEASE; ERYTHRODERMA, ICHTHYOSIFORM, WITH HYPOTRICHOSIS AND HYPER-IgE; COMEL-NETHERTON SYNDROME. Identifiers: Orphanet 634, MedGen C5574950, MONDO:0009735, OMIM 256500.

Allele frequency attached by ClinVar (database versions not stated): gnomAD exomes 0.00002 and 0.00005; TOPMed 0.00002; ExAC 0.00005.
gnomAD v4.1: 11 of 1,613,348 alleles (0.00068%); highest among the groups gnomAD compares: Admixed American, 0.018%; no homozygotes.

Submission:

Labcorp Genetics (formerly Invitae), Labcorp
Classification: Uncertain significance for Ichthyosis linearis circumflexa. Last evaluated: 2022-08-09. Review status: criteria provided, single submitter. Criteria: Invitae Variant Classification Sherloc (09022015). Collection method: clinical testing. Allele origin: germline.
Comment: This sequence change replaces alanine, which is neutral and non-polar, with valine, which is neutral and non-polar, at codon 20 of the SPINK5 protein (p.Ala20Val). This variant is present in population databases (rs777592836, gnomAD 0.03%). This variant has not been reported in the literature in individuals affected with SPINK5-related conditions. ClinVar contains an entry for this variant (Variation ID: 660065). Algorithms developed to predict the effect of missense changes on protein structure and function output the following: SIFT: "Deleterious"; PolyPhen-2: "Benign"; Align-GVGD: "Class C0". The valine amino acid residue is found in multiple mammalian species, which suggests that this missense change does not adversely affect protein function. In summary, the available evidence is currently insufficient to determine the role of this variant in disease. Therefore, it has been classified as a Variant of Uncertain Significance.

NM_006846.4(SPINK5):c.59C>T (p.Ala20Val)

Gene: SPINK5 (serine peptidase inhibitor Kazal type 5; plus strand). Cytogenetic location: 5q32.
Variant type: single nucleotide variant.
Coding change: c.59C>T on transcript NM_006846.4 (MANE Select); coding-DNA position 59, C replaced by T.
Protein change: p.Ala20Val; replaces alanine 20 with valine.
Molecular consequence: missense variant.
Genome position (GRCh38, 1-based): chr5:148,065,350, C>T. VCF-style: chr5-148065350-C-T. GRCh37 (hg19) VCF-style: chr5-147444913-C-T.
Other names: c.59C>T, p.Ala20Val (NM_001127698.2, NM_001127699.2); short protein forms A20V.
Identifiers: ClinVar variation 660065 (VCV000660065.6), dbSNP rs777592836, ClinGen allele CA3495090.